The following is an entry in ClinVar:

NM_138694.4(PKHD1):c.8173+16C>T

Gene: PKHD1 (PKHD1 ciliary IPT domain containing fibrocystin/polyductin; minus strand). Cytogenetic location: 6p12.2.
Variant type: single nucleotide variant.
Coding change: c.8173+16C>T on transcript NM_138694.4 (MANE Select); 16 bases into the intron after coding-DNA position 8173, C replaced by T.
Molecular consequence: intron variant.
Genome position (GRCh38, 1-based): chr6:51,836,388, G>A on the plus strand (C>T on the coding strand, the complement: PKHD1 is on the minus strand). VCF-style: chr6-51836388-G-A. GRCh37 (hg19) VCF-style: chr6-51701186-G-A.
Other names: c.8173+16C>T (NM_170724.3, NM_138694.3).
Identifiers: ClinVar variation 2954905 (VCV002954905.5), dbSNP rs774416074, ClinGen allele CA3851718.

ClinVar aggregate classification (germline): Likely benign. Review status: criteria provided, single submitter (1 of 4 stars). 2 submissions from 2 submitters: Likely benign (1). 1 of the submissions does not count toward it. Last evaluated 2025-12-19.

Conditions:
Autosomal recessive polycystic kidney disease (ARPKD). Also called: AR polycystic kidney disease. Identifiers: Orphanet 731, Orphanet 8378, MedGen C0085548, MeSH D017044, MONDO:0009889.
PKHD1-related disorder. Also called: PKHD1-related condition.

Allele frequency attached by ClinVar (database versions not stated): gnomAD 0.00001; TOPMed 0.00005; ExAC 0.00008.
gnomAD v4.1: 45 of 1,555,452 alleles (0.0029%); highest among the groups gnomAD compares: Admixed American, 0.027%; no homozygotes.

Submissions (2):

Labcorp Genetics (formerly Invitae), Labcorp
Classification: Likely benign for Autosomal recessive polycystic kidney disease. Last evaluated: 2025-12-19. Review status: criteria provided, single submitter. Criteria: Invitae Variant Classification Sherloc (09022015). Collection method: clinical testing. Allele origin: germline.

PreventionGenetics, part of Exact Sciences
Classification: Likely benign for PKHD1-related condition. Last evaluated: 2023-12-07. Review status: no assertion criteria provided. Collection method: clinical testing. Allele origin: germline. Not counted in ClinVar's aggregate classification.
Comment: This variant is classified as likely benign based on ACMG/AMP sequence variant interpretation guidelines (Richards et al. 2015 PMID: 25741868, with internal and published modifications).